The following is an entry in ClinVar:

ClinVar aggregate classification (germline): Likely benign (1 of 4 stars; one submission).

Allele frequency attached by ClinVar (database versions not stated): 1000 Genomes Project 30x 0.00359; 1000 Genomes Project 0.00399; ESP Exome Variant Server 0.00526; gnomAD 0.00551; TOPMed 0.00584; gnomAD exomes 0.00812; ExAC 0.00996.
gnomAD v4.1: 12,597 of 1,603,212 alleles (0.79%); highest among the groups gnomAD compares: Non-Finnish European, 0.95%; 74 homozygotes.

Submission:

CeGaT Center for Human Genetics Tuebingen
Classification: Likely benign. Last evaluated: 2023-01-01. Review status: criteria provided, single submitter. Criteria: CeGaT Center For Human Genetics Tuebingen Variant Classification Criteria Version 2. Collection method: clinical testing. Allele origin: germline. Affected: yes. Observed: 1 variant allele.
Comment: KRABD3: BP4, BS2

NM_001290187.2(KRABD3):c.1267G>A (p.Ala423Thr)

Gene: KRABD3 (KRAB domain containing 3; plus strand). Cytogenetic location: 7q36.1.
Variant type: single nucleotide variant.
Coding change: c.1267G>A on transcript NM_001290187.2 (MANE Select); coding-DNA position 1267, G replaced by A.
Protein change: p.Ala423Thr; replaces alanine 423 with threonine.
Molecular consequence: missense variant. On other transcripts: non-coding transcript variant (1).
Genome position (GRCh38, 1-based): chr7:149,725,353, G>A. VCF-style: chr7-149725353-G-A. GRCh37 (hg19) VCF-style: chr7-149422444-G-A.
Other names: c.1165G>A, p.Ala389Thr (NM_032534.4, NM_001394485.1, NM_001394492.1); c.1315G>A, p.Ala439Thr (NM_001394478.1); c.1270G>A, p.Ala424Thr (NM_001394479.1, NM_001394486.1); c.1225G>A, p.Ala409Thr (NM_001394480.1); c.1222G>A, p.Ala408Thr (NM_001394481.1, NM_001394490.1); c.1162G>A, p.Ala388Thr (NM_001394482.1, NM_001394483.1); c.1267G>A, p.Ala423Thr (NM_001394484.1, NM_001394487.1, NM_001394489.1); c.1117G>A, p.Ala373Thr (NM_001394488.1); and 1 more; short protein forms A373T, A388T, A389T, A408T, A409T, A423T, A424T, A439T.
Identifiers: ClinVar variation 2658147 (VCV002658147.24), dbSNP rs76593434, ClinGen allele CA4553875.